The following is an entry in ClinVar:

NM_018136.5(ASPM):c.8191G>T (p.Glu2731Ter)

Gene: ASPM (assembly factor for spindle microtubules; minus strand). Cytogenetic location: 1q31.3.
Variant type: single nucleotide variant.
Coding change: c.8191G>T on transcript NM_018136.5 (MANE Select); coding-DNA position 8191, G replaced by T.
Protein change: p.Glu2731Ter; replaces glutamic acid 2731 with a stop codon.
Molecular consequence: nonsense. On other transcripts: intron variant (1).
Genome position (GRCh38, 1-based): chr1:197,101,060, C>A on the plus strand (G>T on the coding strand, the complement: ASPM is on the minus strand). VCF-style: chr1-197101060-C-A. GRCh37 (hg19) VCF-style: chr1-197070190-C-A.
Other names: c.4066-4896G>T (NM_001206846.2); short protein forms E2731*.
Identifiers: ClinVar variation 1698988 (VCV001698988.3), dbSNP rs2125093662, ClinGen allele CA344013907.

ClinVar aggregate classification (germline): Pathogenic (1 of 4 stars; one submission).

Conditions:
Microcephaly 5, primary, autosomal recessive (MCPH5). Also called: ASPM Primary Microcephaly. Identifiers: Orphanet 2512, MedGen C1837501, MONDO:0012106, OMIM 608716.

Allele frequency attached by ClinVar (database versions not stated): gnomAD exomes below 0.00001.
gnomAD v4.1: 1 of 1,611,204 alleles (0.000062%); highest among the groups gnomAD compares: South Asian, 0.0011%; no homozygotes.

Submission:

Victorian Clinical Genetics Services, Murdoch Childrens Research Institute
Classification: Pathogenic for Microcephaly 5, primary, autosomal recessive. Last evaluated: 2022-02-02. Review status: criteria provided, single submitter. Criteria: ACMG Guidelines, 2015. Collection method: clinical testing. Allele origin: germline. Inheritance: Autosomal recessive inheritance. Affected: yes.
Comment: Based on the classification scheme VCGS_Germline_v1.3.4, this variant is classified as Pathogenic. Following criteria are met: 0102 - Loss of function is a known mechanism of disease in this gene and is associated with microcephaly 5, primary (MIM#608716). (I) 0106 - This gene is associated with autosomal recessive disease. (I) 0201 - Variant is predicted to cause nonsense-mediated decay (NMD) and loss of protein (premature termination codon is located at least 54 nucleotides upstream of the final exon-exon junction). (SP) 0251 - This variant is heterozygous. (I) 0301 - Variant is absent from gnomAD (both v2 and v3). (SP) 0701 - Other NMD-predicted variants comparable to the one identified in this case have very strong previous evidence for pathogenicity (ClinVar, DECIPHER). (SP) 0807 - This variant has no previous evidence of pathogenicity. (I) 0905 - No published segregation evidence has been identified for this variant. (I) 1007 - No published functional evidence has been identified for this variant. (I) 1208 - Inheritance information for this variant is not currently available in this individual. (I) Legend: (SP) - Supporting pathogenic, (I) - Information, (SB) - Supporting benign